The following is an entry in ClinVar:

ClinVar aggregate classification (germline): Uncertain significance (1 of 4 stars; one submission).

Conditions:
Inborn genetic diseases. Identifiers: MedGen C0950123, MeSH D030342.

Submission:

Ambry Genetics
Classification: Uncertain significance for Inborn genetic diseases. Last evaluated: 2025-10-09. Review status: criteria provided, single submitter. Criteria: Ambry Variant Classification Scheme 2023. Collection method: clinical testing. Allele origin: germline.
Comment: The p.G35R variant (also known as c.103G>A), located in coding exon 2 of the BUB1B gene, results from a G to A substitution at nucleotide position 103. The glycine at codon 35 is replaced by arginine, an amino acid with dissimilar properties. This amino acid position is conserved. In addition, this alteration is predicted to be deleterious by in silico analysis. Based on the available evidence, the clinical significance of this variant remains unclear.

NM_001211.6(BUB1B):c.103G>A (p.Gly35Arg)

Gene: BUB1B (BUB1 mitotic checkpoint serine/threonine kinase B; plus strand). Cytogenetic location: 15q15.1.
Variant type: single nucleotide variant.
Coding change: c.103G>A on transcript NM_001211.6 (MANE Select); coding-DNA position 103, G replaced by A.
Protein change: p.Gly35Arg; replaces glycine 35 with arginine.
Molecular consequence: missense variant.
Genome position (GRCh38, 1-based): chr15:40,165,120, G>A. VCF-style: chr15-40165120-G-A. GRCh37 (hg19) VCF-style: chr15-40457321-G-A.
Other names: short protein forms G35R.
Identifiers: ClinVar variation 4600334 (VCV004600334.1).